The following is an entry in ClinVar:

NM_001012339.3(DNAJC21):c.984-19C>G

Gene: DNAJC21 (DnaJ heat shock protein family (Hsp40) member C21; plus strand). Cytogenetic location: 5p13.2.
Variant type: single nucleotide variant.
Coding change: c.984-19C>G on transcript NM_001012339.3 (MANE Select); 19 bases into the intron before coding-DNA position 984, C replaced by G.
Molecular consequence: intron variant.
Genome position (GRCh38, 1-based): chr5:34,944,848, C>G. VCF-style: chr5-34944848-C-G. GRCh37 (hg19) VCF-style: chr5-34944953-C-G.
Other names: c.984-19C>G (NM_001348420.2, NM_194283.4).
Identifiers: ClinVar variation 2063270 (VCV002063270.4), dbSNP rs751845271, ClinGen allele CA2580073186.

ClinVar aggregate classification (germline): Uncertain significance (1 of 4 stars; one submission).

Submission:

Labcorp Genetics (formerly Invitae), Labcorp
Classification: Uncertain significance. Last evaluated: 2021-12-27. Review status: criteria provided, single submitter. Criteria: Invitae Variant Classification Sherloc (09022015). Collection method: clinical testing. Allele origin: germline.
Comment: In summary, the available evidence is currently insufficient to determine the role of this variant in disease. Therefore, it has been classified as a Variant of Uncertain Significance. Algorithms developed to predict the effect of sequence changes on RNA splicing suggest that this variant may create or strengthen a splice site. This variant has not been reported in the literature in individuals affected with DNAJC21-related conditions. This variant is not present in population databases (gnomAD no frequency). This sequence change falls in intron 7 of the DNAJC21 gene. It does not directly change the encoded amino acid sequence of the DNAJC21 protein.